The following is an entry in ClinVar:

ClinVar aggregate classification (germline): Uncertain significance (1 of 4 stars; one submission).

Conditions:
Inborn genetic diseases. Identifiers: MedGen C0950123, MeSH D030342.

Submission:

Ambry Genetics
Classification: Uncertain significance for Inborn genetic diseases. Last evaluated: 2024-11-26. Review status: criteria provided, single submitter. Criteria: Ambry Variant Classification Scheme 2023. Collection method: clinical testing. Allele origin: germline.
Comment: The p.G285R variant (also known as c.853G>C), located in coding exon 6 of the KDM1A gene, results from a G to C substitution at nucleotide position 853. The glycine at codon 285 is replaced by arginine, an amino acid with dissimilar properties. This amino acid position is conserved. In addition, this alteration is predicted to be deleterious by in silico analysis. Based on the available evidence, the clinical significance of this variant remains unclear.

NM_001009999.3(KDM1A):c.853G>C (p.Gly285Arg)

Gene: KDM1A (lysine demethylase 1A; plus strand). Cytogenetic location: 1p36.12.
Variant type: single nucleotide variant.
Coding change: c.853G>C on transcript NM_001009999.3 (MANE Select); coding-DNA position 853, G replaced by C.
Protein change: p.Gly285Arg; replaces glycine 285 with arginine.
Molecular consequence: missense variant.
Genome position (GRCh38, 1-based): chr1:23,055,131, G>C. VCF-style: chr1-23055131-G-C. GRCh37 (hg19) VCF-style: chr1-23381624-G-C.
Other names: c.793G>C, p.Gly265Arg (NM_001363654.2, NM_001410763.1, NM_015013.4); c.853G>C, p.Gly285Arg (NM_001410762.1); short protein forms G285R, G265R.
Identifiers: ClinVar variation 3532942 (VCV003532942.1).